The following is an entry in ClinVar:

NM_058216.3(RAD51C):c.109_111delinsCAG (p.Glu37Gln)

Gene: RAD51C (RAD51 paralog C; plus strand). Cytogenetic location: 17q22.
Variant type: Indel.
Coding change: c.109_111delinsCAG on transcript NM_058216.3 (MANE Select); coding-DNA positions 109 to 111, GAA replaced by CAG.
Protein change: p.Glu37Gln; replaces glutamic acid 37 with glutamine.
Molecular consequence: missense variant. On other transcripts: non-coding transcript variant (1).
Genome position (GRCh38, 1-based): chr17:58,692,752-58,692,754, GAA replaced by CAG. VCF-style: chr17-58692752-GAA-CAG. GRCh37 (hg19) VCF-style: chr17-56770113-GAA-CAG.
Other names: c.109_111delinsCAG, p.Glu37Gln (NM_002876.4); short protein forms E37Q.
Identifiers: ClinVar variation 484751 (VCV000484751.6), dbSNP rs1555592019, ClinGen allele CA658658630.

ClinVar aggregate classification (germline): Uncertain significance (1 of 4 stars; one submission).

Conditions:
Hereditary cancer-predisposing syndrome. Also called: Neoplastic Syndromes, Hereditary; Tumor predisposition; Hereditary Cancer Syndrome; Hereditary neoplastic syndrome. Identifiers: Orphanet 140162, MedGen C0027672, MeSH D009386, MONDO:0015356.

Submission:

Ambry Genetics
Classification: Uncertain significance for Hereditary cancer-predisposing syndrome. Last evaluated: 2025-03-28. Review status: criteria provided, single submitter. Criteria: Ambry Variant Classification Scheme 2023. Collection method: clinical testing. Allele origin: germline.
Comment: The c.109_111delGAAinsCAG variant, located in coding exon 1 of the RAD51C gene, results from an in-frame deletion of GAA and insertion of CAG at nucleotide positions 109 to 111. This results in the substitution of the glutamic acid residue for a glutamine residue at codon 37, an amino acid with highly similar properties. This amino acid position is well conserved in available vertebrate species. In addition, this alteration is predicted to be neutral by in silico analysis (Choi Y et al. PLoS ONE. 2012; 7(10):e46688). Since supporting evidence is limited at this time, the clinical significance of this alteration remains unclear.